The following is an entry in ClinVar:

ClinVar aggregate classification (germline): Uncertain significance (1 of 4 stars; one submission).

gnomAD v4.1: 2 of 1,210,872 alleles (0.00017%); highest among the groups gnomAD compares: Middle Eastern, 0.023%; no homozygotes.

Submission:

Ambry Genetics
Classification: Uncertain significance. Last evaluated: 2025-12-11. Review status: criteria provided, single submitter. Criteria: Ambry Variant Classification Scheme 2023. Collection method: clinical testing. Allele origin: germline.
Comment: The c.1537A>G (p.T513A) alteration is located in exon 11 (coding exon 11) of the KIAA1210 gene. This alteration results from a A to G substitution at nucleotide position 1537, causing the threonine (T) at amino acid position 513 to be replaced by an alanine (A). Based on data from gnomAD, the G allele has an overall frequency of 0.001% (1/179856) total alleles studied. The highest observed frequency was 0.001% (1/80714) of European (non-Finnish) alleles. Based on insufficient or conflicting evidence, the clinical significance of this alteration remains unclear.

NM_001394962.1(KIAA1210):c.1009A>G (p.Thr337Ala)

Gene: KIAA1210 (KIAA1210; minus strand). Cytogenetic location: Xq24.
Variant type: single nucleotide variant.
Coding change: c.1009A>G on transcript NM_001394962.1 (MANE Select); coding-DNA position 1009, A replaced by G.
Protein change: p.Thr337Ala; replaces threonine 337 with alanine.
Molecular consequence: missense variant.
Genome position (GRCh38, 1-based): chrX:119,089,693, T>C on the plus strand (A>G on the coding strand, the complement: KIAA1210 is on the minus strand). VCF-style: chrX-119089693-T-C. GRCh37 (hg19) VCF-style: chrX-118223656-T-C.
Other names: c.1537A>G, p.Thr513Ala (NM_020721.1); short protein forms T513A, T337A.
Identifiers: ClinVar variation 4543313 (VCV004543313.1).